The following is an entry in ClinVar:

NM_002474.3(MYH11):c.5346G>C (p.Lys1782Asn)

Genes: NDE1 (nudE neurodevelopment protein 1; plus strand), MYH11 (myosin heavy chain 11; minus strand). Cytogenetic location: 16p13.11.
Variant type: single nucleotide variant.
Coding change: c.5346G>C on transcript NM_002474.3 (MANE Select); coding-DNA position 5346, G replaced by C.
Protein change: p.Lys1782Asn; replaces lysine 1782 with asparagine.
Molecular consequence: missense variant. On other transcripts: intron variant (2).
Genome position (GRCh38, 1-based): chr16:15,717,298, C>G on the plus strand (G>C on the coding strand, the complement: MYH11 is on the minus strand). VCF-style: chr16-15717298-C-G. GRCh37 (hg19) VCF-style: chr16-15811155-C-G.
Other names: c.5367G>C, p.Lys1789Asn (NM_001040113.2, NM_001040114.2); c.5346G>C, p.Lys1782Asn (NM_022844.3); c.948-6893C>G (NM_001143979.2, NM_017668.3); short protein forms K1782N, K1789N.
Identifiers: ClinVar variation 2433865 (VCV002433865.6), dbSNP rs375743675, ClinGen allele CA7921298.

ClinVar aggregate classification (germline): Uncertain significance. Review status: criteria provided, multiple submitters, no conflicts (2 of 4 stars). 4 submissions from 4 submitters: Uncertain significance (4). Last evaluated 2025-06-23.

Conditions:
Familial thoracic aortic aneurysm and aortic dissection (TAAD). Also called: Thoracic aortic aneurysms and dissections. Identifiers: Orphanet 91387, MedGen C4707243, MONDO:0019625.
Aortic aneurysm, familial thoracic 4 (AAT4). Also called: AORTIC ANEURYSM/AORTIC DISSECTION AND PATENT DUCTUS ARTERIOSUS. Identifiers: MedGen C1851504, MONDO:0007568, OMIM 132900.

Allele frequency attached by ClinVar (database versions not stated): ESP Exome Variant Server 0.00023.
gnomAD v4.1: 4 of 1,612,838 alleles (0.00025%); highest among the groups gnomAD compares: African/African-American, 0.004%; no homozygotes.

Submissions (4):

Color Diagnostics, LLC DBA Color Health
Classification: Uncertain significance for Familial thoracic aortic aneurysm and aortic dissection. Last evaluated: 2025-06-23. Review status: criteria provided, single submitter. Criteria: ACMG Guidelines, 2015. Collection method: clinical testing. Allele origin: germline.
Comment: This missense variant replaces lysine with asparagine at codon 1789 of the MYH11 protein. Computational prediction suggests that this variant may not impact protein structure and function. To our knowledge, functional studies have not been reported for this variant. This variant has not been reported in individuals affected with MYH11-related disorders in the literature. This variant has been identified in 1/250168 chromosomes in the general population by the Genome Aggregation Database (gnomAD). The available evidence is insufficient to determine the role of this variant in disease conclusively. Therefore, this variant is classified as a Variant of Uncertain Significance.

Labcorp Genetics (formerly Invitae), Labcorp
Classification: Uncertain significance for Aortic aneurysm, familial thoracic 4. Last evaluated: 2024-10-22. Review status: criteria provided, single submitter. Criteria: Invitae Variant Classification Sherloc (09022015). Collection method: clinical testing. Allele origin: germline.
Comment: This sequence change replaces lysine, which is basic and polar, with asparagine, which is neutral and polar, at codon 1789 of the MYH11 protein (p.Lys1789Asn). This variant is present in population databases (rs375743675, gnomAD 0.007%). This variant has not been reported in the literature in individuals affected with MYH11-related conditions. ClinVar contains an entry for this variant (Variation ID: 2433865). Invitae Evidence Modeling of protein sequence and biophysical properties (such as structural, functional, and spatial information, amino acid conservation, physicochemical variation, residue mobility, and thermodynamic stability) indicates that this missense variant is not expected to disrupt MYH11 protein function with a negative predictive value of 95%. In summary, the available evidence is currently insufficient to determine the role of this variant in disease. Therefore, it has been classified as a Variant of Uncertain Significance.

All of Us Research Program, National Institutes of Health
Classification: Uncertain significance for Familial thoracic aortic aneurysm and aortic dissection. Last evaluated: 2023-12-01. Review status: criteria provided, single submitter. Criteria: ACMG Guidelines, 2015. Collection method: clinical testing. Allele origin: germline. Inheritance: Autosomal dominant inheritance. Observed: 2 variant alleles, 2 heterozygotes.
Comment: This missense variant replaces lysine with asparagine at codon 1789 of the MYH11 protein. Computational prediction suggests that this variant may not impact protein structure and function (internally defined REVEL score threshold <= 0.5, PMID: 27666373). To our knowledge, functional studies have not been reported for this variant. This variant has not been reported in individuals affected with MYH11-related disorders in the literature. This variant has been identified in 1/250168 chromosomes in the general population by the Genome Aggregation Database (gnomAD). The available evidence is insufficient to determine the role of this variant in disease conclusively. Therefore, this variant is classified as a Variant of Uncertain Significance.

This study involves interpretation of variants in research participants for the purpose of population health screening. Participant phenotype was not available at the time of variant classification. Additional details can be found in publication PMID: 35346344, PMCID: PMC8962531

Revvity Omics, Revvity
Classification: Uncertain significance. Last evaluated: 2019-03-11. Review status: criteria provided, single submitter. Criteria: ACMG Guidelines, 2015. Collection method: clinical testing. Allele origin: germline.